The following is an entry in ClinVar:

ClinVar aggregate classification (germline): Uncertain significance (1 of 4 stars; one submission).

Conditions:
Melnick-Fraser syndrome (BOR). Also called: Branchiootorenal syndrome; Branchiootorenal Syndrome (BORS); Branchio-oto-renal syndrome. Identifiers: Orphanet 107, MedGen C0265234, MONDO:0007029.

Submission:

Labcorp Genetics (formerly Invitae), Labcorp
Classification: Uncertain significance for Melnick-Fraser syndrome. Last evaluated: 2024-01-18. Review status: criteria provided, single submitter. Criteria: Invitae Variant Classification Sherloc (09022015). Collection method: clinical testing. Allele origin: germline.
Comment: This sequence change replaces arginine, which is basic and polar, with glycine, which is neutral and non-polar, at codon 540 of the EYA1 protein (p.Arg540Gly). This variant is not present in population databases (gnomAD no frequency). This variant has not been reported in the literature in individuals affected with EYA1-related conditions. Advanced modeling of protein sequence and biophysical properties (such as structural, functional, and spatial information, amino acid conservation, physicochemical variation, residue mobility, and thermodynamic stability) has been performed at Invitae for this missense variant, however the output from this modeling did not meet the statistical confidence thresholds required to predict the impact of this variant on EYA1 protein function. In summary, the available evidence is currently insufficient to determine the role of this variant in disease. Therefore, it has been classified as a Variant of Uncertain Significance.

NM_000503.6(EYA1):c.1618A>G (p.Arg540Gly)

Gene: EYA1 (EYA transcriptional coactivator and phosphatase 1; minus strand). Cytogenetic location: 8q13.3.
Variant type: single nucleotide variant.
Coding change: c.1618A>G on transcript NM_000503.6 (MANE Select); coding-DNA position 1618, A replaced by G.
Protein change: p.Arg540Gly; replaces arginine 540 with glycine.
Molecular consequence: missense variant.
Genome position (GRCh38, 1-based): chr8:71,211,236, T>C on the plus strand (A>G on the coding strand, the complement: EYA1 is on the minus strand). VCF-style: chr8-71211236-T-C. GRCh37 (hg19) VCF-style: chr8-72123471-T-C.
Other names: c.1600A>G, p.Arg534Gly (NM_001288574.2, NM_172059.5); c.1252A>G, p.Arg418Gly (NM_001288575.2); c.1705A>G, p.Arg569Gly (NM_001370333.1); c.1618A>G, p.Arg540Gly (NM_001370334.1, NM_001370335.1, NM_172058.4); c.1597A>G, p.Arg533Gly (NM_001370336.1); c.1519A>G, p.Arg507Gly (NM_001411797.1, NM_172060.4); short protein forms R540G, R534G, R418G, R533G, R569G, R507G.
Identifiers: ClinVar variation 2730338 (VCV002730338.3), dbSNP rs2537208381, ClinGen allele CA371465982.